The following is an entry in ClinVar:

ClinVar aggregate classification (germline): Uncertain significance (1 of 4 stars; one submission).

Conditions:
Combined oxidative phosphorylation defect type 17. Also called: Combined oxidative phosphorylation deficiency 17. Identifiers: Orphanet 369913, MedGen C3809526, MONDO:0014190, OMIM 615440.

Submission:

Labcorp Genetics (formerly Invitae), Labcorp
Classification: Uncertain significance for Combined oxidative phosphorylation defect type 17. Last evaluated: 2021-04-23. Review status: criteria provided, single submitter. Criteria: Invitae Variant Classification Sherloc (09022015). Collection method: clinical testing. Allele origin: germline.
Comment: This variant has not been reported in the literature in individuals with ELAC2-related conditions. Algorithms developed to predict the effect of missense changes on protein structure and function are either unavailable or do not agree on the potential impact of this missense change (SIFT: "Tolerated"; PolyPhen-2: "Probably Damaging"; Align-GVGD: "Class C0"). In summary, the available evidence is currently insufficient to determine the role of this variant in disease. Therefore, it has been classified as a Variant of Uncertain Significance. This variant is not present in population databases (ExAC no frequency). This sequence change replaces proline with serine at codon 312 of the ELAC2 protein (p.Pro312Ser). The proline residue is moderately conserved and there is a moderate physicochemical difference between proline and serine.

NM_018127.7(ELAC2):c.934C>T (p.Pro312Ser)

Gene: ELAC2 (elaC ribonuclease Z 2; minus strand). Cytogenetic location: 17p12.
Variant type: single nucleotide variant.
Coding change: c.934C>T on transcript NM_018127.7 (MANE Select); coding-DNA position 934, C replaced by T.
Protein change: p.Pro312Ser; replaces proline 312 with serine.
Molecular consequence: missense variant.
Genome position (GRCh38, 1-based): chr17:13,005,038, G>A on the plus strand (C>T on the coding strand, the complement: ELAC2 is on the minus strand). VCF-style: chr17-13005038-G-A. GRCh37 (hg19) VCF-style: chr17-12908355-G-A.
Other names: c.814C>T, p.Pro272Ser (NM_001165962.2); c.934C>T, p.Pro312Ser (NM_173717.2); short protein forms P272S, P312S.
Identifiers: ClinVar variation 1347825 (VCV001347825.8), dbSNP rs912946000, ClinGen allele CA288085199.